The following is an entry in ClinVar:

ClinVar aggregate classification (germline): Conflicting classifications of pathogenicity. Review status: criteria provided, conflicting classifications (1 of 4 stars). 3 submissions from 3 submitters: Uncertain significance (1); Likely benign (1). 1 of the submissions does not count toward it. Last evaluated 2025-12-15.

Conditions:
Inborn genetic diseases. Identifiers: MedGen C0950123, MeSH D030342.
Isolated dental anomalies.
KBG syndrome (KBGS). Also called: ANKRD11-Related KBG Syndrome. Identifiers: Orphanet 2332, MedGen C0220687, MONDO:0007846, OMIM 148050.

gnomAD v4.1: 23 of 1,607,920 alleles (0.0014%); highest among the groups gnomAD compares: Non-Finnish European, 0.0017%; no homozygotes.

Submissions (3):

Ambry Genetics
Classification: Likely benign for Inborn genetic diseases. Last evaluated: 2025-12-15. Review status: criteria provided, single submitter. Criteria: Ambry Variant Classification Scheme 2023. Collection method: clinical testing. Allele origin: germline.

Labcorp Genetics (formerly Invitae), Labcorp
Classification: Uncertain significance for KBG syndrome. Last evaluated: 2025-06-18. Review status: criteria provided, single submitter. Criteria: Invitae Variant Classification Sherloc (09022015). Collection method: clinical testing. Allele origin: germline.
Comment: This sequence change replaces arginine, which is basic and polar, with cysteine, which is neutral and slightly polar, at codon 2107 of the ANKRD11 protein (p.Arg2107Cys). This variant is present in population databases (rs780905536, gnomAD 0.008%). This variant has not been reported in the literature in individuals affected with ANKRD11-related conditions. ClinVar contains an entry for this variant (Variation ID: 3624510). Invitae Evidence Modeling of protein sequence and biophysical properties (such as structural, functional, and spatial information, amino acid conservation, physicochemical variation, residue mobility, and thermodynamic stability) indicates that this missense variant is not expected to disrupt ANKRD11 protein function with a negative predictive value of 95%. In summary, the available evidence is currently insufficient to determine the role of this variant in disease. Therefore, it has been classified as a Variant of Uncertain Significance.

Center of Excellence in Medical Genetics Research, Chiang Mai University
Classification: Uncertain significance for Isolated dental anomalies. Last evaluated: 2026-08-18. Review status: no assertion criteria provided. Collection method: research. Allele origin: germline. Affected: yes. Observed: 1 variant allele. Not counted in ClinVar's aggregate classification.
Comment: NM_013275.6:c.6319C>T is a missense variant in ANKRD11. The in silico mutation prediction results were MutationTaster (Polymorphism; 0.99999999999718), PolyPhen-2 (Probably Damaging; 0.496), SIFT (Benign Supporting; 0.045), CADD (19.05), and DANN (Benign Supporting; 0.9281) (BP4). It occurs at an extremely low frequency in the gnomAD population database (gnomAD Global = 0.0000143, South Asian = 0.00001099, East Asian = 0), and is absent from the T-Rex database (Thai exomes: 0/2184 (PM2). This variant has been previously reported in ClinVar with likely benign (BP6). In summary, based on the ACMG/AMP criteria applied, this variant is classified as a variant of uncertain significance (VUS) for isolated dental anomalies.

NM_013275.6(ANKRD11):c.6319C>T (p.Arg2107Cys)

Gene: ANKRD11 (ankyrin repeat domain 11; minus strand). Cytogenetic location: 16q24.3.
Variant type: single nucleotide variant.
Coding change: c.6319C>T on transcript NM_013275.6 (MANE Select); coding-DNA position 6319, C replaced by T.
Protein change: p.Arg2107Cys; replaces arginine 2107 with cysteine.
Molecular consequence: missense variant.
Genome position (GRCh38, 1-based): chr16:89,280,223, G>A on the plus strand (C>T on the coding strand, the complement: ANKRD11 is on the minus strand). VCF-style: chr16-89280223-G-A. GRCh37 (hg19) VCF-style: chr16-89346631-G-A.
Other names: c.6319C>T (NM_013275.4); c.6319C>T, p.Arg2107Cys (NM_001256182.2, NM_001256183.2); short protein forms R2107C.
Identifiers: ClinVar variation 3624510 (VCV003624510.4).